The following is an entry in ClinVar:

NM_006035.4(CDC42BPB):c.4468C>T (p.Arg1490Cys)

Gene: CDC42BPB (CDC42 binding protein kinase beta; minus strand). Cytogenetic location: 14q32.32.
Variant type: single nucleotide variant.
Coding change: c.4468C>T on transcript NM_006035.4 (MANE Select); coding-DNA position 4468, C replaced by T.
Protein change: p.Arg1490Cys; replaces arginine 1490 with cysteine.
Molecular consequence: missense variant.
Genome position (GRCh38, 1-based): chr14:102,940,265, G>A on the plus strand (C>T on the coding strand, the complement: CDC42BPB is on the minus strand). VCF-style: chr14-102940265-G-A. GRCh37 (hg19) VCF-style: chr14-103406602-G-A.
Other names: c.4390C>T, p.Arg1464Cys (NM_001411054.1); short protein forms R1464C, R1490C.
Identifiers: ClinVar variation 3731450 (VCV003731450.1).

ClinVar aggregate classification (germline): Uncertain significance (1 of 4 stars; one submission).

Conditions:
Chilton-Okur-Chung neurodevelopmental syndrome (CHOCNS). Identifiers: MedGen C5677022, MONDO:0859239, OMIM 619841.

gnomAD v4.1: 7 of 1,596,634 alleles (0.00044%); highest among the groups gnomAD compares: Admixed American, 0.0088%; no homozygotes.

Submission:

Neuberg Centre For Genomic Medicine, NCGM
Classification: Uncertain significance for Chilton-Okur-Chung neurodevelopmental syndrome. Review status: criteria provided, single submitter. Criteria: ACMG Guidelines, 2015. Collection method: clinical testing. Allele origin: germline. Inheritance: Autosomal dominant inheritance. Affected: yes.
Comment: The missense c.4468C>T (p.Arg1490Cys) variant in the CDC42BPB gene has not been reported previously as a pathogenic variant nor as a benign variant, to our knowledge. This variant is reported with the allele frequency (0.002%) in the gnomAD Exomes. The amino acid Arginine at position 1490 is changed to a Cystine changing protein sequence and it might alter its composition and physico-chemical properties. Multiple lines of computational evidence (Polyphen - Damaging, SIFT – Damaging and MutationTaster - Disease causing) predict a damaging effect on protein structure and function for this variant. The amino acid Arginine in CDC42BPB is predicted as conserved by PhyloP across 100 vertebrates. For these reasons, this variant has been classified as Uncertain Significance.